The following is an entry in ClinVar:

ClinVar aggregate classification (germline): Uncertain significance. Review status: criteria provided, multiple submitters, no conflicts (2 of 4 stars). 2 submissions from 2 submitters: Uncertain significance (2). Last evaluated 2026-07-01.

Conditions:
Glycogen storage disease, type II (IOPD). Also called: CARDIOMEGALIA GLYCOGENICA DIFFUSA; GLYCOGENOSIS, GENERALIZED, CARDIAC FORM; GSD II; Glycogen storage disease type 2; Acid maltase deficiency disease; Aglucosidase alfa. Identifiers: Orphanet 365, MedGen C0017921, MONDO:0009290, OMIM 232300.

gnomAD v4.1: 1 of 1,612,658 alleles (0.000062%); highest among the groups gnomAD compares: South Asian, 0.0011%; no homozygotes.

Submissions (2):

Genomenon, Inc
Classification: Uncertain significance for Glycogen storage disease, type II. Last evaluated: 2026-07-01. Review status: criteria provided, single submitter. Criteria: Genomenon Sequence Variant Interpretation Standards - Updated. Collection method: curation. Allele origin: germline. Affected: no.
Comment: GAA p.His612Arg (c.1835A>G) is a missense variant that changes the amino acid at codon 612 from Histidine to Arginine. This variant has been reported in the published literature (PMID:40225932;33560568). The presence of pathogenic/likely pathogenic missense variant(s) at the same amino acid position indicates that this residue is likely important for protein function. It is absent or not present at a significant frequency in gnomAD. In silico models predict that this variant is possibly or probably damaging. In conclusion, we classify GAA p.His612Arg (c.1835A>G) as a variant of uncertain significance.

Women's Health and Genetics/Laboratory Corporation of America, LabCorp
Classification: Uncertain significance. Last evaluated: 2024-07-18. Review status: criteria provided, single submitter. Criteria: LabCorp Variant Classification Summary - May 2015. Collection method: clinical testing. Allele origin: germline.
Comment: Variant summary: GAA c.1835A>G (p.His612Arg) results in a non-conservative amino acid change located in the Glycoside hydrolase family 31, TIM barrel domain (IPR000322) of the encoded protein sequence. Five of five in-silico tools predict a damaging effect of the variant on protein function. The variant allele was found at a frequency of 4.1e-06 in 245696 control chromosomes. The available data on variant occurrences in the general population are insufficient to allow any conclusion about variant significance. c.1835A>G has been reported in the literature in individuals affected with Glycogen Storage Disease, Type 2 (Pompe Disease) (Reuser_2019). However, a second variant was not reported. These report(s) do not provide unequivocal conclusions about association of the variant with Glycogen Storage Disease, Type 2 (Pompe Disease). To our knowledge, no experimental evidence demonstrating an impact on protein function has been reported. The following publications have been ascertained in the context of this evaluation (PMID: 33560568, 31342611). No submitters have cited clinical-significance assessments for this variant to ClinVar. Based on the evidence outlined above, the variant was classified as uncertain significance.

Literature cited by the submitters: PubMed 40225932 (cited by Genomenon, Inc); PubMed 33560568 (cited by Genomenon, Inc and Women's Health and Genetics/Laboratory Corporation of America, LabCorp); PubMed 31342611 (cited by Women's Health and Genetics/Laboratory Corporation of America, LabCorp).

NM_000152.5(GAA):c.1835A>G (p.His612Arg)

Gene: GAA (alpha glucosidase; plus strand). Cytogenetic location: 17q25.3.
Variant type: single nucleotide variant.
Coding change: c.1835A>G on transcript NM_000152.5 (MANE Select); coding-DNA position 1835, A replaced by G.
Protein change: p.His612Arg; replaces histidine 612 with arginine.
Molecular consequence: missense variant.
Genome position (GRCh38, 1-based): chr17:80,112,658, A>G. VCF-style: chr17-80112658-A-G. GRCh37 (hg19) VCF-style: chr17-78086457-A-G.
Other names: c.1835A>G, p.His612Arg (NM_001406742.1, NM_001079803.3, NM_001079804.3 and 1 more transcripts); short protein forms H612R.
Identifiers: ClinVar variation 3339456 (VCV003339456.2).